The following is an entry in ClinVar:

NM_006060.6(IKZF1):c.55C>A (p.Pro19Thr)

Gene: IKZF1 (IKAROS family zinc finger 1; plus strand). Cytogenetic location: 7p12.2.
Variant type: single nucleotide variant.
Coding change: c.55C>A on transcript NM_006060.6 (MANE Select); coding-DNA position 55, C replaced by A.
Protein change: p.Pro19Thr; replaces proline 19 with threonine.
Molecular consequence: missense variant.
Genome position (GRCh38, 1-based): chr7:50,327,652, C>A. VCF-style: chr7-50327652-C-A. GRCh37 (hg19) VCF-style: chr7-50367248-C-A.
Other names: c.55C>A, p.Pro19Thr (NM_001220765.3, NM_001220767.2, NM_001220768.2 and 14 more transcripts); short protein forms P19T.
Identifiers: ClinVar variation 2111814 (VCV002111814.4), dbSNP rs931548912, ClinGen allele CA158661180.

ClinVar aggregate classification (germline): Uncertain significance (1 of 4 stars; one submission).

gnomAD v4.1: 1 of 1,612,754 alleles (0.000062%); highest among the groups gnomAD compares: African/African-American, 0.0013%; no homozygotes.

Submission:

Labcorp Genetics (formerly Invitae), Labcorp
Classification: Uncertain significance. Last evaluated: 2022-03-14. Review status: criteria provided, single submitter. Criteria: Invitae Variant Classification Sherloc (09022015). Collection method: clinical testing. Allele origin: germline.
Comment: In summary, the available evidence is currently insufficient to determine the role of this variant in disease. Therefore, it has been classified as a Variant of Uncertain Significance. Algorithms developed to predict the effect of missense changes on protein structure and function are either unavailable or do not agree on the potential impact of this missense change (SIFT: "Not Available"; PolyPhen-2: "Benign"; Align-GVGD: "Not Available"). This variant has not been reported in the literature in individuals affected with IKZF1-related conditions. The frequency data for this variant in the population databases is considered unreliable, as metrics indicate poor data quality at this position in the gnomAD database. This sequence change replaces proline, which is neutral and non-polar, with threonine, which is neutral and polar, at codon 19 of the IKZF1 protein (p.Pro19Thr).